The following is an entry in ClinVar:

ClinVar aggregate classification (germline): Uncertain significance (1 of 4 stars; one submission).

Conditions:
Dilated cardiomyopathy 1G (CMD1G). Identifiers: Orphanet 154, MedGen C1858763, MONDO:0011400, OMIM 604145.
Autosomal recessive limb-girdle muscular dystrophy type 2J (LGMDR10). Also called: MUSCULAR DYSTROPHY, LIMB-GIRDLE, AUTOSOMAL RECESSIVE 10; Limb-girdle muscular dystrophy, type 2J. Identifiers: Orphanet 140922, MedGen C1837342, MONDO:0012127, OMIM 608807.

Submission:

Labcorp Genetics (formerly Invitae), Labcorp
Classification: Uncertain significance for Dilated cardiomyopathy 1G; Autosomal recessive limb-girdle muscular dystrophy type 2J. Last evaluated: 2022-07-07. Review status: criteria provided, single submitter. Criteria: Invitae Variant Classification Sherloc (09022015). Collection method: clinical testing. Allele origin: germline.
Comment: In summary, the available evidence is currently insufficient to determine the role of this variant in disease. Therefore, it has been classified as a Variant of Uncertain Significance. This variant disrupts the I band of TTN (PMID: 25589632). Copy number variants in TTN have been previously reported in individuals affected with neuromuscular disorders (PMID: 29792937, 30238059), but the functional significance of this variant is currently unknown.‚Äú This variant has not been reported in the literature in individuals affected with TTN-related conditions. This variant is a gross deletion of the genomic region encompassing exon(s) 128-132 of the TTN gene. This variant would be expected to be in-frame, preserving the integrity of the reading frame.

Literature cited by the submitters: PubMed 25589632; PubMed 29792937; PubMed 30238059.

NC_000002.11:g.(?_179549037)_(179550345_?)del

Gene: TTN (titin; minus strand). Cytogenetic location: 2q31.2.
Variant type: Deletion.
Identifiers: ClinVar variation 2424036 (VCV002424036.6).